The following is an entry in ClinVar:

ClinVar aggregate classification (germline): Pathogenic. Review status: criteria provided, multiple submitters, no conflicts (2 of 4 stars). 3 submissions from 3 submitters: Pathogenic (3). Last evaluated 2024-11-11.

Conditions:
Anophthalmia-microphthalmia syndrome. Also called: Anophthalmia/Microphthalmia; Anophthalmia - microphthalmia. Identifiers: Orphanet 98555, MedGen C5680330, MONDO:0020147.
Pituitary hormone deficiency, combined, 6. Identifiers: MedGen C3151440, MONDO:0013518, OMIM 613986.
Syndromic microphthalmia type 5 (MCOPS5). Also called: RETINAL DYSTROPHY, EARLY-ONSET, WITH PITUITARY DYSFUNCTION; RETINAL DYSTROPHY, EARLY-ONSET, WITHOUT PITUITARY DYSFUNCTION. Identifiers: Orphanet 178364, MedGen C1864690, MONDO:0012413, OMIM 610125.

Submissions (3):

GeneDx
Classification: Pathogenic. Last evaluated: 2024-11-11. Review status: criteria provided, single submitter. Criteria: GeneDx Variant Classification Process June 2021. Collection method: clinical testing. Allele origin: germline. Affected: yes.
Comment: Frameshift variant predicted to result in protein truncation or nonsense mediated decay in a gene for which loss of function is a known mechanism of disease; Also described in an individual with short statue due to growth hormone deficiency and psychomotor delay (PMID: 36714562); Not observed at significant frequency in large population cohorts (gnomAD); This variant is associated with the following publications: (PMID: 22577225, 36714562)

Labcorp Genetics (formerly Invitae), Labcorp
Classification: Pathogenic for Anophthalmia-microphthalmia syndrome. Last evaluated: 2020-06-02. Review status: criteria provided, single submitter. Criteria: Invitae Variant Classification Sherloc (09022015). Collection method: clinical testing. Allele origin: germline.
Comment: For these reasons, this variant has been classified as Pathogenic. Loss-of-function variants in OTX2 are known to be pathogenic (PMID: 15846561, 20486942, 22577225, 24167467). This variant has been observed in individual(s) with otocephaly (PMID: 22577225). This variant is also known as c.130delC p.Arg44GlyfsX15 in the literature. This variant is not present in population databases (ExAC no frequency). This sequence change creates a premature translational stop signal (p.Arg36Glyfs*15) in the OTX2 gene. It is expected to result in an absent or disrupted protein product.

Juno Genomics, Hangzhou Juno Genomics, Inc
Classification: Pathogenic for Syndromic microphthalmia type 5; Pituitary hormone deficiency, combined, 6. Review status: criteria provided, single submitter. Criteria: ACMG Guidelines, 2015. Collection method: clinical testing. Allele origin: germline.
Comment: Absent from controls (or at extremely low frequency if recessive) in Genome Aggregation Database.;Null variant in a gene where loss of function (LOF) is a known mechanism of disease.;Assumed de novo, but without confirmation of paternity and maternity.

Literature cited by the submitters: PubMed 15846561 (cited by Labcorp Genetics (formerly Invitae), Labcorp); PubMed 20486942 (cited by Labcorp Genetics (formerly Invitae), Labcorp); PubMed 22577225 (cited by Labcorp Genetics (formerly Invitae), Labcorp); PubMed 24167467 (cited by Labcorp Genetics (formerly Invitae), Labcorp).

NM_021728.4(OTX2):c.130del (p.Arg44fs)

Gene: OTX2 (orthodenticle homeobox 2; minus strand). Cytogenetic location: 14q22.3.
Variant type: Deletion.
Coding change: c.130del on transcript NM_021728.4 (MANE Select); coding-DNA position 130, one base deleted (C; older notation c.130delC).
Protein change: p.Arg44fs; shifts the reading frame from arginine 44.
Molecular consequence: frameshift variant.
Genome position (GRCh38, 1-based): chr14:56,804,331, G deleted on the plus strand (C on the coding strand, the reverse complement: OTX2 is on the minus strand); the first of 6 consecutive G bases (chr14:56,804,331-56,804,336); deleting any one gives the same sequence. VCF-style (leftmost placement, unchanged base first): chr14-56804330-CG-C. GRCh37 (hg19) VCF-style: chr14-57271048-CG-C.
Other names: c.130del (NM_021728.2); c.106del, p.Arg36fs (NM_001270523.2, NM_001270524.2, NM_172337.3); c.130del, p.Arg44fs (NM_001270525.2); short protein forms R36fs, R44fs.
Identifiers: ClinVar variation 1074471 (VCV001074471.12), dbSNP rs758119168, ClinGen allele CA486584153.
Genomic context (GRCh38, chr14:56,804,330, plus strand): 5'-AGTGCTTCCAGCACATCTAGCTGCGCCCGAGTGAACGTCGTCCTCTCCCGGCGCTGTTTC[CG>C]GGGGGTGGCTGCGGGACAAGAAGCCCAGGGCCCTTTAGGGTGGGGGAGCAGTTTCTCAGT-3'